The following is an entry in ClinVar:

NM_001024630.4(RUNX2):c.659C>T (p.Thr220Ile)

Gene: RUNX2 (RUNX family transcription factor 2; plus strand). Cytogenetic location: 6p21.1.
Variant type: single nucleotide variant.
Coding change: c.659C>T on transcript NM_001024630.4 (MANE Select); coding-DNA position 659, C replaced by T.
Protein change: p.Thr220Ile; replaces threonine 220 with isoleucine.
Molecular consequence: missense variant.
Genome position (GRCh38, 1-based): chr6:45,438,025, C>T. VCF-style: chr6-45438025-C-T. GRCh37 (hg19) VCF-style: chr6-45405762-C-T.
Other names: c.659C>T, p.Thr220Ile (NM_001015051.4); c.617C>T, p.Thr206Ile (NM_001278478.2, NM_001369405.1); short protein forms T206I, T220I.
Identifiers: ClinVar variation 1702661 (VCV001702661.4), dbSNP rs2150371905, ClinGen allele CA363955367.

ClinVar aggregate classification (germline): Pathogenic/Likely pathogenic. Review status: criteria provided, multiple submitters, no conflicts (2 of 4 stars). 3 submissions from 3 submitters: Pathogenic (1); Likely pathogenic (2). Last evaluated 2025-12-13.

Conditions:
RUNX2-related disorder. Also called: RUNX2-related condition.

Submissions (3):

Labcorp Genetics (formerly Invitae), Labcorp
Classification: Likely pathogenic. Last evaluated: 2025-12-13. Review status: criteria provided, single submitter. Criteria: Invitae Variant Classification Sherloc (09022015). Collection method: clinical testing. Allele origin: germline.
Comment: This sequence change replaces threonine, which is neutral and polar, with isoleucine, which is neutral and non-polar, at codon 220 of the RUNX2 protein (p.Thr220Ile). This variant is not present in population databases (gnomAD no frequency). This missense change has been observed in individuals with cleidocranial dysplasia (PMID: 12196916; internal data). This variant is also known as p.Thr206Ile. ClinVar contains an entry for this variant (Variation ID: 1702661). Invitae Evidence Modeling of protein sequence and biophysical properties (such as structural, functional, and spatial information, amino acid conservation, physicochemical variation, residue mobility, and thermodynamic stability) indicates that this missense variant is expected to disrupt RUNX2 protein function with a positive predictive value of 80%. Experimental studies have shown that this missense change affects RUNX2 function (PMID: 12196916). This variant disrupts the p.Thr220 amino acid residue in RUNX2. Other variant(s) that disrupt this residue have been determined to be pathogenic (PMID: 31347140). This suggests that this residue is clinically significant, and that variants that disrupt this residue are likely to be disease-causing. In summary, the currently available evidence indicates that the variant is pathogenic, but additional data are needed to prove that conclusively. Therefore, this variant has been classified as Likely Pathogenic.

GeneDx
Classification: Pathogenic. Last evaluated: 2022-08-18. Review status: criteria provided, single submitter. Criteria: GeneDx Variant Classification Process June 2021. Collection method: clinical testing. Allele origin: germline. Affected: yes.
Comment: Published functional studies demonstrate a damaging effect, as T220I (also known as T206I due to alternate nomenclature) inhibits DNA binding and showed no transactivation of the osteocalcin promoter (Yoshida et al., 2002); Not observed in large population cohorts (gnomAD); This variant is associated with the following publications: (PMID: 12196916)

Blueprint Genetics
Classification: Likely pathogenic for RUNX2-related disorders. Last evaluated: 2021-05-07. Review status: criteria provided, single submitter. Criteria: ACMG Guidelines, 2015. Collection method: clinical testing. Allele origin: germline. Affected: yes. Observed: 1 variant allele.

Literature cited by the submitters: PubMed 12196916 (cited by Labcorp Genetics (formerly Invitae), Labcorp); PubMed 31347140 (cited by Labcorp Genetics (formerly Invitae), Labcorp).